The following is an entry in ClinVar:

NM_003356.4(UCP3):c.156G>A (p.Thr52=)

Gene: UCP3 (uncoupling protein 3; minus strand). Cytogenetic location: 11q13.4.
Variant type: single nucleotide variant.
Coding change: c.156G>A on transcript NM_003356.4 (MANE Select); coding-DNA position 156, G replaced by A.
Protein change: p.Thr52=; no amino-acid change (threonine 52 retained).
Molecular consequence: synonymous variant.
Genome position (GRCh38, 1-based): chr11:74,006,350, C>T on the plus strand (G>A on the coding strand, the complement: UCP3 is on the minus strand). VCF-style: chr11-74006350-C-T. GRCh37 (hg19) VCF-style: chr11-73717395-C-T.
Other names: c.156G>A, p.Thr52= (NM_022803.3).
Identifiers: ClinVar variation 1336556 (VCV001336556.7), dbSNP rs745356543, ClinGen allele CA6181611.

ClinVar aggregate classification (germline): Likely benign. Review status: criteria provided, multiple submitters, no conflicts (2 of 4 stars). 3 submissions from 3 submitters: Likely benign (2). 1 of the submissions does not count toward it. Last evaluated 2023-10-06.

Conditions:
UCP3-related disorder. Also called: UCP3-related condition.

Allele frequency attached by ClinVar (database versions not stated): gnomAD 0.00003; ExAC 0.00004; gnomAD exomes 0.00004 and 0.00007; TOPMed 0.00005.

Submissions (3):

Blueprint Genetics
Classification: Likely benign. Last evaluated: 2023-10-06. Review status: criteria provided, single submitter. Criteria: ACMG Guidelines, 2015. Collection method: clinical testing. Allele origin: germline.

Genetic Services Laboratory, University of Chicago
Classification: Likely benign. Last evaluated: 2018-02-13. Review status: criteria provided, single submitter. Criteria: ACMG Guidelines, 2015. Collection method: clinical testing. Allele origin: germline. Affected: no.

PreventionGenetics, part of Exact Sciences
Classification: Likely benign for UCP3-related condition. Last evaluated: 2022-03-25. Review status: no assertion criteria provided. Collection method: clinical testing. Allele origin: germline. Not counted in ClinVar's aggregate classification.
Comment: This variant is classified as likely benign based on ACMG/AMP sequence variant interpretation guidelines (Richards et al. 2015 PMID: 25741868, with internal and published modifications).